The following is an entry in ClinVar:

NM_001378452.1(ITPR1):c.7329T>A (p.Thr2443=)

Gene: ITPR1 (inositol 1,4,5-trisphosphate receptor type 1; plus strand). Cytogenetic location: 3p26.1.
Variant type: single nucleotide variant.
Coding change: c.7329T>A on transcript NM_001378452.1 (MANE Select); coding-DNA position 7329, T replaced by A.
Protein change: p.Thr2443=; no amino-acid change (threonine 2443 retained).
Molecular consequence: synonymous variant.
Genome position (GRCh38, 1-based): chr3:4,811,321, T>A. VCF-style: chr3-4811321-T-A. GRCh37 (hg19) VCF-style: chr3-4853005-T-A.
Other names: c.7185T>A, p.Thr2395= (NM_001099952.4); c.7284T>A, p.Thr2428= (NM_001168272.2); c.7140T>A, p.Thr2380= (NM_002222.7).
Identifiers: ClinVar variation 2653458 (VCV002653458.24), dbSNP rs2470165784, ClinGen allele CA432325289.
Genomic context (GRCh38, chr3:4,811,321, plus strand): 5'-AAAGCTTTTTGATTTAGTGTACAGAGAAGAGACTTTGCTTAATGTCATTAAAAGTGTCAC[T>A]CGCAATGGACGGTCCATCATCCTGACAGCAGTTCTGGCTCTGATCCTCGTTTACCTGTTC-3'
Protein context (NP_001365381.1, residues 2433-2453): ETLLNVIKSV[Thr2443=]RNGRSIILTA

ClinVar aggregate classification (germline): Likely benign (1 of 4 stars; one submission).

Submission:

CeGaT Center for Human Genetics Tuebingen
Classification: Likely benign. Last evaluated: 2023-02-01. Review status: criteria provided, single submitter. Criteria: CeGaT Center For Human Genetics Tuebingen Variant Classification Criteria Version 2. Collection method: clinical testing. Allele origin: germline. Affected: yes. Observed: 1 variant allele.
Comment: ITPR1: PM2:Supporting, BP4, BP7